The following is an entry in ClinVar:

NM_024101.7(MLPH):c.291G>A (p.Pro97=)

Gene: MLPH (melanophilin; plus strand). Cytogenetic location: 2q37.3.
Variant type: single nucleotide variant.
Coding change: c.291G>A on transcript NM_024101.7 (MANE Select); coding-DNA position 291, G replaced by A.
Protein change: p.Pro97=; no amino-acid change (proline 97 retained).
Molecular consequence: synonymous variant. On other transcripts: non-coding transcript variant (1).
Genome position (GRCh38, 1-based): chr2:237,510,754, G>A. VCF-style: chr2-237510754-G-A. GRCh37 (hg19) VCF-style: chr2-238419397-G-A.
Other names: c.291G>A, p.Pro97= (NM_001042467.3, NM_001281473.2, NM_001281474.2).
Identifiers: ClinVar variation 3351206 (VCV003351206.2).

ClinVar aggregate classification (germline): Likely benign. Review status: criteria provided, single submitter (1 of 4 stars). 2 submissions from 2 submitters: Likely benign (1). 1 of the submissions does not count toward it. Last evaluated 2025-10-18.

Conditions:
MLPH-related disorder. Also called: MLPH-related condition.

gnomAD v4.1: 122 of 1,613,646 alleles (0.0076%); highest among the groups gnomAD compares: Middle Eastern, 0.067%; no homozygotes.

Submissions (2):

Labcorp Genetics (formerly Invitae), Labcorp
Classification: Likely benign. Last evaluated: 2025-10-18. Review status: criteria provided, single submitter. Criteria: Invitae Variant Classification Sherloc (09022015). Collection method: clinical testing. Allele origin: germline.

PreventionGenetics, part of Exact Sciences
Classification: Likely benign for MLPH-related condition. Last evaluated: 2024-09-08. Review status: no assertion criteria provided. Collection method: clinical testing. Allele origin: germline. Not counted in ClinVar's aggregate classification.
Comment: This variant is classified as likely benign based on ACMG/AMP sequence variant interpretation guidelines (Richards et al. 2015 PMID: 25741868, with internal and published modifications).